The following is an entry in ClinVar:

ClinVar aggregate classification (germline): Pathogenic (1 of 4 stars; one submission).

Submission:

Labcorp Genetics (formerly Invitae), Labcorp
Classification: Pathogenic. Last evaluated: 2022-07-05. Review status: criteria provided, single submitter. Criteria: Invitae Variant Classification Sherloc (09022015). Collection method: clinical testing. Allele origin: germline.
Comment: This sequence change creates a premature translational stop signal (p.Ile418Lysfs*28) in the GLE1 gene. It is expected to result in an absent or disrupted protein product. Loss-of-function variants in GLE1 are known to be pathogenic (PMID: 18204449, 24243016, 27684565). This variant is not present in population databases (gnomAD no frequency). This variant has not been reported in the literature in individuals affected with GLE1-related conditions. For these reasons, this variant has been classified as Pathogenic.

Literature cited by the submitters: PubMed 18204449; PubMed 24243016; PubMed 27684565.

NM_001003722.2(GLE1):c.1253_1254del (p.Ile418fs)

Gene: GLE1 (GLE1 RNA export mediator; plus strand). Cytogenetic location: 9q34.11.
Variant type: Deletion.
Coding change: c.1253_1254del on transcript NM_001003722.2 (MANE Select); coding-DNA positions 1253 to 1254, 2 bases deleted (TA; older notation c.1253_1254delTA).
Protein change: p.Ile418fs; shifts the reading frame from isoleucine 418.
Molecular consequence: frameshift variant.
Genome position (GRCh38, 1-based): chr9:128,527,466-128,527,467, TA deleted; deleting any 2 consecutive bases within chr9:128,527,465-128,527,467 gives the same sequence; the c. name uses the placement nearest the transcript's 3' end. VCF-style (leftmost placement, unchanged base first): chr9-128527464-GAT-G. GRCh37 (hg19) VCF-style: chr9-131289743-GAT-G.
Other names: c.1253_1254delTA, p.Ile418Lysfs (NM_001411013.1); c.1253_1254del, p.Ile418fs (NM_001499.2); short protein forms I418fs.
Identifiers: ClinVar variation 2141402 (VCV002141402.1), dbSNP rs2540608553, ClinGen allele CA2580079732.